The following is an entry in ClinVar:

NM_024548.4(CEP97):c.471C>T (p.Ile157=)

Gene: CEP97 (centrosomal protein 97; plus strand). Cytogenetic location: 3q12.3.
Variant type: single nucleotide variant.
Coding change: c.471C>T on transcript NM_024548.4 (MANE Select); coding-DNA position 471, C replaced by T.
Protein change: p.Ile157=; no amino-acid change (isoleucine 157 retained).
Molecular consequence: synonymous variant.
Genome position (GRCh38, 1-based): chr3:101,731,863, C>T. VCF-style: chr3-101731863-C-T. GRCh37 (hg19) VCF-style: chr3-101450707-C-T.
Other names: c.471C>T, p.Ile157= (NM_001303401.2); c.369C>T, p.Ile123= (NM_001410784.1, NM_001410785.1).
Identifiers: ClinVar variation 2998007 (VCV002998007.3), dbSNP rs760163007, ClinGen allele CA2521916.

ClinVar aggregate classification (germline): Uncertain significance (1 of 4 stars; one submission).

Allele frequency attached by ClinVar (database versions not stated): ExAC 0.00002.
gnomAD v4.1: 1 of 1,602,438 alleles (0.000062%); highest among the groups gnomAD compares: Non-Finnish European, 0.000085%; no homozygotes.

Submission:

Labcorp Genetics (formerly Invitae), Labcorp
Classification: Uncertain significance. Last evaluated: 2023-06-08. Review status: criteria provided, single submitter. Criteria: Invitae Variant Classification Sherloc (09022015). Collection method: clinical testing. Allele origin: germline.
Comment: In summary, the available evidence is currently insufficient to determine the role of this variant in disease. Therefore, it has been classified as a Variant of Uncertain Significance. Algorithms developed to predict the effect of sequence changes on RNA splicing suggest that this variant may disrupt the consensus splice site. This variant has not been reported in the literature in individuals affected with CEP97-related conditions. This variant is present in population databases (rs760163007, gnomAD 0.007%). This sequence change affects codon 157 of the CEP97 mRNA. It is a 'silent' change, meaning that it does not change the encoded amino acid sequence of the CEP97 protein.